The following is an entry in ClinVar:

NM_014795.4(ZEB2):c.751G>C (p.Ala251Pro)

Gene: ZEB2 (zinc finger E-box binding homeobox 2; minus strand). Cytogenetic location: 2q22.3.
Variant type: single nucleotide variant.
Coding change: c.751G>C on transcript NM_014795.4 (MANE Select); coding-DNA position 751, G replaced by C.
Protein change: p.Ala251Pro; replaces alanine 251 with proline.
Molecular consequence: missense variant.
Genome position (GRCh38, 1-based): chr2:144,403,972, C>G on the plus strand (G>C on the coding strand, the complement: ZEB2 is on the minus strand). VCF-style: chr2-144403972-C-G. GRCh37 (hg19) VCF-style: chr2-145161539-C-G.
Other names: c.679G>C, p.Ala227Pro (NM_001171653.2); short protein forms A227P, A251P.
Identifiers: ClinVar variation 5020398 (VCV005020398.1).

ClinVar aggregate classification (germline): Uncertain significance (1 of 4 stars; one submission).

Submission:

Dasa
Classification: Uncertain significance. Last evaluated: 2026-06-11. Review status: criteria provided, single submitter. Criteria: DASA Assertion Criteria. Collection method: clinical testing. Allele origin: germline.
Comment: NM_014795.4(ZEB2):c.751G>C (p.Ala251Pro) is a missense variant that results in the substitution of alanine with proline. This variant is absent from population databases. The currently available literature and clinical evidence are not sufficient to establish a definitive association between this variant and the reported condition. Therefore, this variant is classified as a variant of uncertain significance.